The following is an entry in ClinVar:

NM_005751.5(AKAP9):c.3635A>G (p.Glu1212Gly)

Gene: AKAP9 (A-kinase anchoring protein 9; plus strand). Cytogenetic location: 7q21.2.
Variant type: single nucleotide variant.
Coding change: c.3635A>G on transcript NM_005751.5 (MANE Select); coding-DNA position 3635, A replaced by G.
Protein change: p.Glu1212Gly; replaces glutamic acid 1212 with glycine.
Molecular consequence: missense variant.
Genome position (GRCh38, 1-based): chr7:92,016,151, A>G. VCF-style: chr7-92016151-A-G. GRCh37 (hg19) VCF-style: chr7-91645465-A-G.
Other names: c.3635A>G, p.Glu1212Gly (NM_147185.3); short protein forms E1212G.
Identifiers: ClinVar variation 1733439 (VCV001733439.2), dbSNP rs887720617, ClinGen allele CA161885389.

ClinVar aggregate classification (germline): Uncertain significance (1 of 4 stars; one submission).

Conditions:
Cardiovascular phenotype. Identifiers: MedGen CN230736.

Submission:

Ambry Genetics
Classification: Uncertain significance for Cardiovascular phenotype. Last evaluated: 2022-01-26. Review status: criteria provided, single submitter. Criteria: Ambry Variant Classification Scheme 2023. Collection method: clinical testing. Allele origin: germline.
Comment: The p.E1212G variant (also known as c.3635A>G), located in coding exon 11 of the AKAP9 gene, results from an A to G substitution at nucleotide position 3635. The glutamic acid at codon 1212 is replaced by glycine, an amino acid with similar properties. This amino acid position is conserved. In addition, this alteration is predicted to be tolerated by in silico analysis. Since supporting evidence is limited at this time, the clinical significance of this alteration remains unclear.